The following is an entry in ClinVar:

ClinVar aggregate classification (germline): Uncertain significance (1 of 4 stars; one submission).

Allele frequency attached by ClinVar (database versions not stated): gnomAD 0.00001; TOPMed 0.00001.
gnomAD v4.1: 1 of 1,209,725 alleles (0.000083%); highest among the groups gnomAD compares: Non-Finnish European, 0.00011%; no homozygotes.

Submission:

GeneDx
Classification: Uncertain significance. Last evaluated: 2022-12-13. Review status: criteria provided, single submitter. Criteria: GeneDx Variant Classification Process June 2021. Collection method: clinical testing. Allele origin: germline. Affected: yes.
Comment: Not observed in large population cohorts (gnomAD); In silico analysis, which includes protein predictors and evolutionary conservation, supports that this variant does not alter protein structure/function; Has not been previously published as pathogenic or benign to our knowledge

NM_004606.5(TAF1):c.149G>C (p.Gly50Ala)

Gene: TAF1 (TATA-box binding protein associated factor 1; plus strand). Cytogenetic location: Xq13.1.
Variant type: single nucleotide variant.
Coding change: c.149G>C on transcript NM_004606.5 (MANE Select); coding-DNA position 149, G replaced by C.
Protein change: p.Gly50Ala; replaces glycine 50 with alanine.
Molecular consequence: missense variant. On other transcripts: non-coding transcript variant (9).
Genome position (GRCh38, 1-based): chrX:71,367,527, G>C. VCF-style: chrX-71367527-G-C. GRCh37 (hg19) VCF-style: chrX-70587377-G-C.
Other names: c.149G>C, p.Gly50Ala (NM_001286074.2, NM_138923.4); short protein forms G50A.
Identifiers: ClinVar variation 1311359 (VCV001311359.2), dbSNP rs2032642763, ClinGen allele CA413504324.
Genomic context (GRCh38, chrX:71,367,527, plus strand): 5'-GTTATCTTCGACTCGTGCTGTCCCTTTTTCAGGAATGTAAGAAGCACTTGGCAGGCTTGG[G>C]GGCTTTGGGGCTGGGCAGCCTGATCACTGAACTCACGGCAAATGAAGAATTGACCGGGAC-3'
Protein context (NP_004597.3, residues 40-60): DECKKHLAGL[Gly50Ala]ALGLGSLITE